The following is an entry in ClinVar:

NM_001029883.3(PCARE):c.2994del (p.Thr999fs)

Gene: PCARE (photoreceptor cilium actin regulator; minus strand). Cytogenetic location: 2p23.2.
Variant type: Deletion.
Coding change: c.2994del on transcript NM_001029883.3 (MANE Select); coding-DNA position 2994, one base deleted (G; older notation c.2994delG).
Protein change: p.Thr999fs; shifts the reading frame from threonine 999.
Molecular consequence: frameshift variant.
Genome position (GRCh38, 1-based): chr2:29,071,268, C deleted on the plus strand (G on the coding strand, the reverse complement: PCARE is on the minus strand); the first of 2 consecutive C bases (chr2:29,071,268-29,071,269); deleting either gives the same sequence. VCF-style (leftmost placement, unchanged base first): chr2-29071267-TC-T. GRCh37 (hg19) VCF-style: chr2-29294133-TC-T.
Other names: short protein forms T999fs.
Identifiers: ClinVar variation 1414211 (VCV001414211.6), dbSNP rs2148415202, ClinGen allele CA2573134624.

ClinVar aggregate classification (germline): Pathogenic (1 of 4 stars; one submission).

Submission:

Labcorp Genetics (formerly Invitae), Labcorp
Classification: Pathogenic. Last evaluated: 2025-05-05. Review status: criteria provided, single submitter. Criteria: Invitae Variant Classification Sherloc (09022015). Collection method: clinical testing. Allele origin: germline.
Comment: This sequence change creates a premature translational stop signal (p.Thr999Hisfs*36) in the PCARE gene. It is expected to result in an absent or disrupted protein product. Loss-of-function variants in PCARE are known to be pathogenic (PMID: 20398886, 24339724, 26496393). This variant is not present in population databases (gnomAD no frequency). This variant has not been reported in the literature in individuals affected with PCARE-related conditions. ClinVar contains an entry for this variant (Variation ID: 1414211). For these reasons, this variant has been classified as Pathogenic.

Literature cited by the submitters: PubMed 20398886; PubMed 24339724; PubMed 26496393.